The following is an entry in ClinVar:

ClinVar aggregate classification (germline): Uncertain significance (1 of 4 stars; one submission).

Conditions:
CREBBP-related disorder. Also called: CREBBP-related condition; CREBBP-related disorders.

Submission:

PreventionGenetics, part of Exact Sciences
Classification: Uncertain significance for CREBBP-related condition. Last evaluated: 2024-11-05. Review status: criteria provided, single submitter. Criteria: ACMG Guidelines, 2015. Collection method: clinical testing. Allele origin: germline.
Comment: The CREBBP c.7298A>G variant is predicted to result in the amino acid substitution p.Asp2433Gly. To our knowledge, this variant has not been reported in the literature or in a large population database (gnomAD), indicating this variant is rare. At this time, the clinical significance of this variant is uncertain due to the absence of conclusive functional and genetic evidence.

NM_004380.3(CREBBP):c.7298A>G (p.Asp2433Gly)

Gene: CREBBP (CREB binding lysine acetyltransferase; minus strand). Cytogenetic location: 16p13.3.
Variant type: single nucleotide variant.
Coding change: c.7298A>G on transcript NM_004380.3 (MANE Select); coding-DNA position 7298, A replaced by G.
Protein change: p.Asp2433Gly; replaces aspartic acid 2433 with glycine.
Molecular consequence: missense variant.
Genome position (GRCh38, 1-based): chr16:3,727,749, T>C on the plus strand (A>G on the coding strand, the complement: CREBBP is on the minus strand). VCF-style: chr16-3727749-T-C. GRCh37 (hg19) VCF-style: chr16-3777750-T-C.
Other names: c.7184A>G, p.Asp2395Gly (NM_001079846.1); short protein forms D2395G, D2433G.
Identifiers: ClinVar variation 4997019 (VCV004997019.1).
Genomic context (GRCh38, chr16:3,727,749, plus strand): 5'-GAAAGGGAAAAGGTGATGCTCTCACAATGCTACAAGCCCTCCACAAACTTCTCTAGCGTG[T>C]CCCCCGTGGTGTCCCCGACCAGGGACAGTTCGCTGGACAGCGCACTCCTGCTGGGGGTGT-3'
Protein context (NP_004371.2, residues 2423-2442): ELSLVGDTTG[Asp2433Gly]TLEKFVEGL